The following is an entry in ClinVar:

ClinVar aggregate classification (germline): Likely benign. Review status: criteria provided, single submitter (1 of 4 stars). 2 submissions from 2 submitters: Likely benign (1). 1 of the submissions does not count toward it. Last evaluated 2024-04-16.

Conditions:
CPE-related disorder. Also called: CPE-related condition.

gnomAD v4.1: 268 of 1,581,488 alleles (0.017%); highest among the groups gnomAD compares: Non-Finnish European, 0.0028%; no homozygotes.

Submissions (2):

Blueprint Genetics
Classification: Likely benign. Last evaluated: 2024-04-16. Review status: criteria provided, single submitter. Criteria: ACMG Guidelines, 2015. Collection method: clinical testing. Allele origin: germline.

PreventionGenetics, part of Exact Sciences
Classification: Likely benign for CPE-related condition. Last evaluated: 2024-08-07. Review status: no assertion criteria provided. Collection method: clinical testing. Allele origin: germline. Not counted in ClinVar's aggregate classification.
Comment: This variant is classified as likely benign based on ACMG/AMP sequence variant interpretation guidelines (Richards et al. 2015 PMID: 25741868, with internal and published modifications).

NM_001873.4(CPE):c.1386A>G (p.Glu462=)

Gene: CPE (carboxypeptidase E; plus strand). Cytogenetic location: 4q32.3.
Variant type: single nucleotide variant.
Coding change: c.1386A>G on transcript NM_001873.4 (MANE Select); coding-DNA position 1386, A replaced by G.
Protein change: p.Glu462=; no amino-acid change (glutamic acid 462 retained).
Molecular consequence: synonymous variant.
Genome position (GRCh38, 1-based): chr4:165,497,565, A>G. VCF-style: chr4-165497565-A-G. GRCh37 (hg19) VCF-style: chr4-166418717-A-G.
Identifiers: ClinVar variation 3354031 (VCV003354031.2).
Genomic context (GRCh38, chr4:165,497,565, plus strand): 5'-CTTTTAGGTTGATTTTGAACTGGAGTCATTTTCTGAAAGGAAAGAAGAGGAGAAGGAAGA[A>G]TTGATGGAATGGTGGAAAATGATGTCAGAAACTTTAAATTTTTAAAAAGGCTTCTAGTTA-3'
Protein context (NP_001864.1, residues 452-472): FSERKEEEKE[Glu462=]LMEWWKMMSE